The following is an entry in ClinVar:

ClinVar aggregate classification (germline): Uncertain significance (1 of 4 stars; one submission).

Submission:

Ambry Genetics
Classification: Uncertain significance. Last evaluated: 2025-11-26. Review status: criteria provided, single submitter. Criteria: Ambry Variant Classification Scheme 2023. Collection method: clinical testing. Allele origin: germline.
Comment: The p.E85D variant (also known as c.255G>C), located in coding exon 2 of the GFI1 gene, results from a G to C substitution at nucleotide position 255. The glutamic acid at codon 85 is replaced by aspartic acid, an amino acid with highly similar properties. This amino acid position is conserved. In addition, this alteration is predicted to be tolerated by in silico analysis. Based on the available evidence, the clinical significance of this variant remains unclear.

NM_005263.5(GFI1):c.255G>C (p.Glu85Asp)

Gene: GFI1 (growth factor independent 1 transcriptional repressor; minus strand). Cytogenetic location: 1p22.1.
Variant type: single nucleotide variant.
Coding change: c.255G>C on transcript NM_005263.5 (MANE Select); coding-DNA position 255, G replaced by C.
Protein change: p.Glu85Asp; replaces glutamic acid 85 with aspartic acid.
Molecular consequence: missense variant.
Genome position (GRCh38, 1-based): chr1:92,482,907, C>G on the plus strand (G>C on the coding strand, the complement: GFI1 is on the minus strand). VCF-style: chr1-92482907-C-G. GRCh37 (hg19) VCF-style: chr1-92948464-C-G.
Other names: c.255G>C, p.Glu85Asp (NM_001127215.3, NM_001127216.3); short protein forms E85D.
Identifiers: ClinVar variation 4671606 (VCV004671606.1).